The following is an entry in ClinVar:

ClinVar aggregate classification (germline): Conflicting classifications of pathogenicity. Review status: criteria provided, conflicting classifications (1 of 4 stars). 2 submissions from 2 submitters: Uncertain significance (1); Likely benign (1). Last evaluated 2025-12-20.

Conditions:
Inborn genetic diseases. Identifiers: MedGen C0950123, MeSH D030342.

Allele frequency attached by ClinVar (database versions not stated): gnomAD exomes 0.00003; ExAC 0.00006; gnomAD 0.00007; TOPMed 0.00013.
gnomAD v4.1: 67 of 1,609,186 alleles (0.0042%); highest among the groups gnomAD compares: Admixed American, 0.018%; no homozygotes.

Submissions (2):

Labcorp Genetics (formerly Invitae), Labcorp
Classification: Uncertain significance. Last evaluated: 2025-12-20. Review status: criteria provided, single submitter. Criteria: Invitae Variant Classification Sherloc (09022015). Collection method: clinical testing. Allele origin: germline.
Comment: This sequence change replaces alanine, which is neutral and non-polar, with valine, which is neutral and non-polar, at codon 537 of the KDM1A protein (p.Ala537Val). This variant is present in population databases (rs774064976, gnomAD 0.02%). This variant has not been reported in the literature in individuals affected with KDM1A-related conditions. ClinVar contains an entry for this variant (Variation ID: 2148756). Invitae Evidence Modeling of protein sequence and biophysical properties (such as structural, functional, and spatial information, amino acid conservation, physicochemical variation, residue mobility, and thermodynamic stability) has been performed for this missense variant. However, the output from this modeling did not meet the statistical confidence thresholds required to predict the impact of this variant on KDM1A protein function. In summary, the available evidence is currently insufficient to determine the role of this variant in disease. Therefore, it has been classified as a Variant of Uncertain Significance.

Ambry Genetics
Classification: Likely benign for Inborn genetic diseases. Last evaluated: 2024-12-08. Review status: criteria provided, single submitter. Criteria: Ambry Variant Classification Scheme 2023. Collection method: clinical testing. Allele origin: germline.

NM_001009999.3(KDM1A):c.1610C>T (p.Ala537Val)

Gene: KDM1A (lysine demethylase 1A; plus strand). Cytogenetic location: 1p36.12.
Variant type: single nucleotide variant.
Coding change: c.1610C>T on transcript NM_001009999.3 (MANE Select); coding-DNA position 1610, C replaced by T.
Protein change: p.Ala537Val; replaces alanine 537 with valine.
Molecular consequence: missense variant.
Genome position (GRCh38, 1-based): chr1:23,072,185, C>T. VCF-style: chr1-23072185-C-T. GRCh37 (hg19) VCF-style: chr1-23398678-C-T.
Other names: c.1538C>T, p.Ala513Val (NM_001363654.2, NM_001410763.1, NM_015013.4); c.1598C>T, p.Ala533Val (NM_001410762.1); c.1610C>T (NM_001009999.2); short protein forms A533V, A537V, A513V.
Identifiers: ClinVar variation 2148756 (VCV002148756.6), dbSNP rs774064976, ClinGen allele CA679770.